The following is an entry in ClinVar:

NM_000051.4(ATM):c.2377-2A>G

Gene: ATM (ATM serine/threonine kinase; plus strand). Cytogenetic location: 11q22.3.
Variant type: single nucleotide variant.
Coding change: c.2377-2A>G on transcript NM_000051.4 (MANE Select); the canonical splice acceptor site of the intron before coding-DNA position 2377, A replaced by G.
Molecular consequence: splice acceptor variant.
Genome position (GRCh38, 1-based): chr11:108,258,984, A>G. VCF-style: chr11-108258984-A-G. GRCh37 (hg19) VCF-style: chr11-108129711-A-G.
Other names: c.2377-2A>G (NM_001351834.2).
Identifiers: ClinVar variation 370519 (VCV000370519.22), dbSNP rs1057516553, ClinGen allele CA16041391.

ClinVar aggregate classification (germline): Conflicting classifications of pathogenicity. Review status: criteria provided, conflicting classifications (1 of 4 stars). 7 submissions from 7 submitters: Pathogenic (1); Likely pathogenic (2); Uncertain significance (3). 1 of the submissions does not count toward it. Last evaluated 2025-12-26.

Conditions:
Hereditary cancer-predisposing syndrome. Also called: Hereditary Cancer Syndrome; Neoplastic Syndromes, Hereditary; Tumor predisposition; Hereditary neoplastic syndrome. Identifiers: Orphanet 140162, MedGen C0027672, MeSH D009386, MONDO:0015356.
Familial cancer of breast. Also called: Hereditary breast cancer; hereditary breast carcinoma; BREAST CANCER, FAMILIAL. Identifiers: Orphanet 227535, MedGen C0346153, MONDO:0016419, OMIM 114480. Disease mechanism: loss of function.
ATM-related cancer predisposition. Also called: ATM-related cancer susceptibility. Identifiers: MedGen CN377759, MONDO:0700270.
Hereditary breast ovarian cancer syndrome. Also called: Hereditary breast and/or ovarian cancer syndrome; Breast and ovarian cancer; Hereditary breast and ovarian cancer; Hereditary breast and ovarian cancer syndrome (HBOC); BRCA1- and BRCA2-Associated Hereditary Breast and Ovarian Cancer; Hereditary breast and ovarian cancer syndrome. Identifiers: Orphanet 145, MedGen C0677776, MeSH D061325, MONDO:0003582. Disease mechanism: loss of function.
Ataxia-telangiectasia syndrome (AT). Also called: Ataxia-telangiectasia, complementation group D; AT, COMPLEMENTATION GROUP C; LOUIS-BAR SYNDROME; Cerebello-oculocutaneous telangiectasia; Immunodeficiency with ataxia telangiectasia; ATAXIA-TELANGIECTASIA, COMPLEMENTATION GROUP A. Identifiers: Orphanet 100, MedGen C0004135, MONDO:0008840, OMIM 208900.

Allele frequency attached by ClinVar (database versions not stated): gnomAD exomes below 0.00001.
gnomAD v4.1: 2 of 1,612,102 alleles (0.00012%); highest among the groups gnomAD compares: South Asian, 0.0011%; no homozygotes.

Submissions (7):

Labcorp Genetics (formerly Invitae), Labcorp
Classification: Likely pathogenic for Ataxia-telangiectasia syndrome. Last evaluated: 2025-12-26. Review status: criteria provided, single submitter. Criteria: Invitae Variant Classification Sherloc (09022015). Collection method: clinical testing. Allele origin: germline.
Comment: This sequence change affects an acceptor splice site in intron 15 of the ATM gene. It is expected to disrupt RNA splicing. Variants that disrupt the donor or acceptor splice site typically lead to a loss of protein function (PMID: 16199547), and loss-of-function variants in ATM are known to be pathogenic (PMID: 23807571, 25614872). This variant is not present in population databases (gnomAD no frequency). Disruption of this splice site has been observed in individual(s) with breast cancer and/or Sézary syndrome (PMID: 27039262, 30982232, 36853301, 38355628). ClinVar contains an entry for this variant (Variation ID: 370519). Algorithms developed to predict the effect of sequence changes on RNA splicing suggest that this variant may disrupt the consensus splice site. In summary, the currently available evidence indicates that the variant is pathogenic, but additional data are needed to prove that conclusively. Therefore, this variant has been classified as Likely Pathogenic.

Ambry Genetics
Classification: Uncertain significance for Hereditary cancer-predisposing syndrome. Last evaluated: 2025-10-30. Review status: criteria provided, single submitter. Criteria: Ambry Variant Classification Scheme 2023. Collection method: clinical testing. Allele origin: germline.
Comment: The c.2377-2A>G intronic variant results from an A to G substitution two nucleotides upstream from coding exon 15 in the ATM gene. Alterations that disrupt the canonical splice site are expected to result in aberrant splicing. In silico splice site analysis predicts that this alteration will weaken the native splice acceptor site. RNA studies have demonstrated that this alteration results in a transcript predicted to lead to a protein with an in-frame deletion of one amino acid; however, the exact functional impact of the deleted amino acid is unknown (Ambry internal data). This nucleotide position is highly conserved in available vertebrate species. Based on the available evidence, the clinical significance of this variant remains unclear.

Color Diagnostics, LLC DBA Color Health
Classification: Uncertain significance for Hereditary cancer-predisposing syndrome. Last evaluated: 2025-09-11. Review status: criteria provided, single submitter. Criteria: ACMG Guidelines, 2015. Collection method: clinical testing. Allele origin: germline.
Comment: This variant causes an A to G nucleotide substitution at the -2 position of intron 15 of the ATM gene. Splice site prediction tools predict that this variant may have a significant impact on RNA splicing, abolishing the canonical acceptor splice site and creating a cryptic acceptor splice site 5 base pairs downstream of the variant. RNA studies have shown that this variant resulted in the use of the predicted cryptic acceptor splice site, which is expected to cause an in-frame deletion of 1 amino acid (PMID: 35716007ClinVar Accession: SCV000660467.6). This variant has been reported in individuals affected with breast cancer (PMID: 30982232, 36853301, 38355628), pancreatic cancer (PMID: 34659905), pleural mesothelioma (PMID: 40115062), and Sezary Syndrome (PMID: 27039262). This variant has not been identified in the general population by the Genome Aggregation Database (gnomAD). Loss of ATM function is a known mechanism of disease. Although there is suspicion that this variant may be associated with disease, additional studies are necessary to determine the role of this variant in disease conclusively. Therefore, this variant is classified as a Variant of Uncertain Significance.

German Consortium for Hereditary Breast and Ovarian Cancer, University Hospital Cologne
Classification: Uncertain significance for Hereditary breast ovarian cancer syndrome. Last evaluated: 2025-04-02. Review status: criteria provided, single submitter. Criteria: ClinGen ATM V1.3.0. Collection method: curation. Allele origin: germline.
Comment: According to the ClinGen ACMG ATM v1.3.0 criteria we chose these criteria: PVS1 (strong pathogenic): SpliceAI: Δ-score AL: 0.99 VCEP-ATM PVS1_Strong (List B) , PM2 (supporting pathogenic): Frequency ≤.001% if n=1, 2x in gnomADv4, 2 different sub populations

Institute for Genomic Medicine (IGM) Clinical Laboratory, Nationwide Children's Hospital
Classification: Pathogenic for ATM-related cancer predisposition. Last evaluated: 2024-03-26. Review status: criteria provided, single submitter. Criteria: ACMG Guidelines, 2015. Collection method: clinical testing. Allele origin: germline.
Comment: This variant is predicted to result in loss of function through nonsense-mediated decay of the encoded transcript or premature truncation of the encoded protein in a gene in which loss of function is a known mechanism of disease (ACMG/AMP: PVS1; PMIDs:23807571, 25614872). This variant has been reported at an elevated frequency in affected individuals/in multiple affected individuals in the literature (ACMG/AMP: PS4_Supporting; PMIDs:30982232, 27039262). This variant is absent from or present at an exceedingly low frequency in gnomAD, a large-scale control population database (ACMG/AMP: PM2).

Baylor Genetics
Classification: Likely pathogenic for Familial cancer of breast. Last evaluated: 2023-08-23. Review status: criteria provided, single submitter. Criteria: ACMG Guidelines, 2015. Collection method: clinical testing. Allele origin: unknown.

Counsyl
Classification: Likely pathogenic for Ataxia-telangiectasia syndrome. Last evaluated: 2016-02-22. Review status: no assertion criteria provided. Collection method: clinical testing. Allele origin: unknown. Not counted in ClinVar's aggregate classification.

Literature cited by the submitters: PubMed 16199547 (cited by Labcorp Genetics (formerly Invitae), Labcorp); PubMed 23807571 (cited by Labcorp Genetics (formerly Invitae), Labcorp and Institute for Genomic Medicine (IGM) Clinical Laboratory, Nationwide Children's Hospital); PubMed 25614872 (cited by Labcorp Genetics (formerly Invitae), Labcorp and Institute for Genomic Medicine (IGM) Clinical Laboratory, Nationwide Children's Hospital); PubMed 27039262 (cited by 4 submitters); PubMed 30982232 (cited by 4 submitters); PubMed 36853301 (cited by Labcorp Genetics (formerly Invitae), Labcorp and Color Diagnostics, LLC DBA Color Health); PubMed 38355628 (cited by Labcorp Genetics (formerly Invitae), Labcorp and Color Diagnostics, LLC DBA Color Health); PubMed 34659905 (cited by Color Diagnostics, LLC DBA Color Health); PubMed 35716007 (cited by Color Diagnostics, LLC DBA Color Health); PubMed 40115062 (cited by Color Diagnostics, LLC DBA Color Health).